The following is an entry in ClinVar:

ClinVar aggregate classification (germline): Conflicting classifications of pathogenicity. Review status: criteria provided, conflicting classifications (1 of 4 stars). 2 submissions from 2 submitters: Uncertain significance (1); Likely benign (1). Last evaluated 2026-01-28.

gnomAD v4.1: 93 of 1,613,960 alleles (0.0058%); highest among the groups gnomAD compares: Non-Finnish European, 0.0074%; no homozygotes.

Submissions (2):

Labcorp Genetics (formerly Invitae), Labcorp
Classification: Likely benign. Last evaluated: 2026-01-28. Review status: criteria provided, single submitter. Criteria: Invitae Variant Classification Sherloc (09022015). Collection method: clinical testing. Allele origin: germline.

GeneDx
Classification: Uncertain significance. Last evaluated: 2021-09-13. Review status: criteria provided, single submitter. Criteria: GeneDx Variant Classification Process June 2021. Collection method: clinical testing. Allele origin: germline. Affected: yes.
Comment: Has not been previously published as pathogenic or benign to our knowledge; In-silico analysis, which includes splice predictors and evolutionary conservation, is inconclusive as to whether the variant alters gene splicing. In the absence of RNA/functional studies, the actual effect of this sequence change is unknown.

NM_001365999.1(SZT2):c.8420-13C>G

Gene: SZT2 (SZT2 subunit of KICSTOR complex; plus strand). Cytogenetic location: 1p34.2.
Variant type: single nucleotide variant.
Coding change: c.8420-13C>G on transcript NM_001365999.1 (MANE Select); 13 bases into the intron before coding-DNA position 8420, C replaced by G.
Molecular consequence: intron variant.
Genome position (GRCh38, 1-based): chr1:43,443,175, C>G. VCF-style: chr1-43443175-C-G. GRCh37 (hg19) VCF-style: chr1-43908846-C-G.
Other names: c.8249-13C>G (NM_015284.4).
Identifiers: ClinVar variation 1343896 (VCV001343896.9), dbSNP rs368330210, ClinGen allele CA810542.